The following is an entry in ClinVar:

ClinVar aggregate classification (germline): Likely pathogenic (1 of 4 stars; one submission).

Conditions:
Cardiovascular phenotype. Identifiers: MedGen CN230736.

Submission:

Ambry Genetics
Classification: Likely pathogenic for Cardiovascular phenotype. Last evaluated: 2020-05-14. Review status: criteria provided, single submitter. Criteria: Ambry Variant Classification Scheme 2023. Collection method: clinical testing. Allele origin: germline.
Comment: The c.47186_47187delCT variant, located in coding exon 153 of the TTN gene, results from a deletion of two nucleotides at nucleotide positions 47186 to 47187, causing a translational frameshift with a predicted alternate stop codon (p.A15729Gfs*2). This exon is located in the A-band region of the N2-B isoform of the titin protein and is constitutively expressed in TTN transcripts (percent spliced in or PSI 100%). This alteration is expected to result in loss of function by premature protein truncation or nonsense-mediated mRNA decay. While truncating variants in TTN are present in 1-3% of the general population, truncating variants in the A-band are the most common cause of dilated cardiomyopathy (DCM) (Herman DS et al. N. Engl. J. Med., 2012 Feb;366:619-28; Roberts AM et al. Sci Transl Med, 2015 Jan;7:270ra6). TTN truncating variants encoded in constitutive exons (PSI >90%) have been found to be significantly associated with DCM regardless of their position in titin (Schafer S et al. Nat. Genet., 2017 01;49:46-53). As such, this alteration is classified as likely pathogenic.

NM_001267550.2(TTN):c.74381_74382del (p.Ala24794fs)

Genes: TTN (titin; minus strand), TTN-AS1 (TTN antisense RNA 1; plus strand). Cytogenetic location: 2q31.2.
Variant type: Deletion.
Coding change: c.74381_74382del on transcript NM_001267550.2 (MANE Select); coding-DNA positions 74381 to 74382, 2 bases deleted (CT; older notation c.74381_74382delCT).
Protein change: p.Ala24794fs; shifts the reading frame from alanine 24794.
Molecular consequence: frameshift variant.
Genome position (GRCh38, 1-based): chr2:178,571,750-178,571,751, AG deleted on the plus strand (CT on the coding strand, the reverse complement: TTN is on the minus strand). VCF-style (leftmost placement, unchanged base first): chr2-178571749-CAG-C. GRCh37 (hg19) VCF-style: chr2-179436476-CAG-C.
Other names: c.69458_69459del, p.Ala23153fs (NM_001256850.1); c.47186_47187del, p.Ala15729fs (NM_003319.4); c.66677_66678del, p.Ala22226fs (NM_133378.4); c.47561_47562del, p.Ala15854fs (NM_133432.3); c.47762_47763del, p.Ala15921fs (NM_133437.4); c.47186_47187delCT (NM_003319.4); short protein forms A23153fs, A15921fs, A22226fs, A15729fs, A15854fs, A24794fs.
Identifiers: ClinVar variation 1742623 (VCV001742623.2), dbSNP rs2468506986, ClinGen allele CA2580064741.